The following is an entry in ClinVar:

NM_002234.4(KCNA5):c.325_348dup (p.Asp109_Ser116dup)

Gene: KCNA5 (potassium voltage-gated channel subfamily A member 5; plus strand). Cytogenetic location: 12p13.32.
Variant type: Duplication.
Coding change: c.325_348dup on transcript NM_002234.4 (MANE Select); coding-DNA positions 325 to 348, 24 bases duplicated (GACCAGGCTCTGGGCACGGCGTCC).
Protein change: p.Asp109_Ser116dup.
Molecular consequence: inframe insertion.
Genome position (GRCh38, 1-based): chr12:5,044,472-5,044,495, GACCAGGCTCTGGGCACGGCGTCC duplicated. VCF-style (leftmost placement, unchanged base first): chr12-5044471-G-GGACCAGGCTCTGGGCACGGCGTCC. GRCh37 (hg19) VCF-style: chr12-5153637-G-GGACCAGGCTCTGGGCACGGCGTCC.
Identifiers: ClinVar variation 858903 (VCV000858903.9), dbSNP rs1565465166, ClinGen allele CA603482586.

ClinVar aggregate classification (germline): Uncertain significance (1 of 4 stars; one submission).

Conditions:
Atrial fibrillation, familial, 7 (ATFB7). Identifiers: MedGen C2677106, MONDO:0012828, OMIM 612240.

Allele frequency attached by ClinVar (database versions not stated): gnomAD exomes 0.00002.

Submission:

Labcorp Genetics (formerly Invitae), Labcorp
Classification: Uncertain significance for Atrial fibrillation, familial, 7. Last evaluated: 2021-01-03. Review status: criteria provided, single submitter. Criteria: Invitae Variant Classification Sherloc (09022015). Collection method: clinical testing. Allele origin: germline.
Comment: In summary, the available evidence is currently insufficient to determine the role of this variant in disease. Therefore, it has been classified as a Variant of Uncertain Significance. Experimental studies and prediction algorithms are not available or were not evaluated, and the functional significance of this variant is currently unknown. This variant has not been reported in the literature in individuals with KCNA5-related conditions. This variant is not present in population databases (ExAC no frequency). This variant, c.325_348dup, results in the insertion of 8 amino acid(s) to the KCNA5 protein (p.Asp109_Ser116dup), but otherwise preserves the integrity of the reading frame.